The following is an entry in ClinVar:

NM_000455.5(STK11):c.348G>C (p.Val116=)

Gene: STK11 (serine/threonine kinase 11; plus strand). Cytogenetic location: 19p13.3.
Variant type: single nucleotide variant.
Coding change: c.348G>C on transcript NM_000455.5 (MANE Select); coding-DNA position 348, G replaced by C.
Protein change: p.Val116=; no amino-acid change (valine 116 retained).
Molecular consequence: synonymous variant.
Genome position (GRCh38, 1-based): chr19:1,218,474, G>C. VCF-style: chr19-1218474-G-C. GRCh37 (hg19) VCF-style: chr19-1218473-G-C.
Identifiers: ClinVar variation 1130040 (VCV001130040.10), dbSNP rs774482643, ClinGen allele CA504706568.

ClinVar aggregate classification (germline): Benign/Likely benign. Review status: criteria provided, multiple submitters, no conflicts (2 of 4 stars). 2 submissions from 2 submitters: Benign (1); Likely benign (1). Last evaluated 2025-03-25.

Conditions:
Peutz-Jeghers syndrome (PJS). Also called: Peutz-Jeghers polyposis; Periorificial lentiginosis syndrome; POLYPOSIS, HAMARTOMATOUS INTESTINAL; POLYPS-AND-SPOTS SYNDROME. Identifiers: Orphanet 2869, MedGen C0031269, MeSH D010580, MONDO:0008280, OMIM 175200.

Submissions (2):

Myriad Genetics, Inc.
Classification: Benign for Peutz-Jeghers syndrome. Last evaluated: 2025-03-25. Review status: criteria provided, single submitter. Criteria: Myriad Autosomal Dominant, Autosomal Recessive and X-Linked Classification Criteria (2023). Collection method: clinical testing. Allele origin: unknown.
Comment: This variant is considered benign. This variant is a silent/synonymous amino acid change and it is not expected to impact splicing.

Labcorp Genetics (formerly Invitae), Labcorp
Classification: Likely benign for Peutz-Jeghers syndrome. Last evaluated: 2024-04-29. Review status: criteria provided, single submitter. Criteria: Invitae Variant Classification Sherloc (09022015). Collection method: clinical testing. Allele origin: germline.